The following is an entry in ClinVar:

NM_139276.3(STAT3):c.1249A>G (p.Arg417Gly)

Gene: STAT3 (signal transducer and activator of transcription 3; minus strand). Cytogenetic location: 17q21.2.
Variant type: single nucleotide variant.
Coding change: c.1249A>G on transcript NM_139276.3 (MANE Select); coding-DNA position 1249, A replaced by G.
Protein change: p.Arg417Gly; replaces arginine 417 with glycine.
Molecular consequence: missense variant.
Genome position (GRCh38, 1-based): chr17:42,329,442, T>C on the plus strand (A>G on the coding strand, the complement: STAT3 is on the minus strand). VCF-style: chr17-42329442-T-C. GRCh37 (hg19) VCF-style: chr17-40481460-T-C.
Other names: c.1249A>G, p.Arg417Gly (NM_001369512.1, NM_001369513.1, NM_001369514.1 and 12 more transcripts); c.1171A>G, p.Arg391Gly (NM_001384985.1); c.1264A>G, p.Arg422Gly (NM_001384986.1, NM_001384990.1); c.1153A>G, p.Arg385Gly (NM_001384989.1); c.1189A>G, p.Arg397Gly (NM_001384992.1); short protein forms R417G, R385G, R391G, R397G, R422G.
Identifiers: ClinVar variation 581180 (VCV000581180.9), dbSNP rs1567713821, ClinGen allele CA399588484.

ClinVar aggregate classification (germline): Uncertain significance (1 of 4 stars; one submission).

Conditions:
Hyper-IgE recurrent infection syndrome 1, autosomal dominant. Also called: Job's Syndrome; Hyper-IgE recurrent infection syndrome 1; HYPER-IgE SYNDROME 1, AUTOSOMAL DOMINANT, WITH RECURRENT INFECTIONS; JOB SYNDROME; STAT3 Hyper IgE Syndrome. Identifiers: Orphanet 2314, MedGen C2936739, MONDO:0007818, OMIM 147060.
STAT3 gain of function. Identifiers: MedGen C4288261.

Submission:

Labcorp Genetics (formerly Invitae), Labcorp
Classification: Uncertain significance for STAT3 gain of function; Hyper-IgE recurrent infection syndrome 1, autosomal dominant. Last evaluated: 2024-03-20. Review status: criteria provided, single submitter. Criteria: Invitae Variant Classification Sherloc (09022015). Collection method: clinical testing. Allele origin: germline.
Comment: This sequence change replaces arginine, which is basic and polar, with glycine, which is neutral and non-polar, at codon 417 of the STAT3 protein (p.Arg417Gly). This variant is not present in population databases (gnomAD no frequency). This missense change has been observed in individual(s) with clinical features of STAT3-related conditions (PMID: 32768442). ClinVar contains an entry for this variant (Variation ID: 581180). Advanced modeling of protein sequence and biophysical properties (such as structural, functional, and spatial information, amino acid conservation, physicochemical variation, residue mobility, and thermodynamic stability) performed at Invitae indicates that this missense variant is expected to disrupt STAT3 protein function with a positive predictive value of 80%. Algorithms developed to predict the effect of sequence changes on RNA splicing suggest that this variant may disrupt the consensus splice site. In summary, the available evidence is currently insufficient to determine the role of this variant in disease. Therefore, it has been classified as a Variant of Uncertain Significance.

Literature cited by the submitters: PubMed 32768442.